The following is an entry in ClinVar:

NM_013275.6(ANKRD11):c.7268del (p.Lys2423fs)

Gene: ANKRD11 (ankyrin repeat domain containing 11; minus strand). Cytogenetic location: 16q24.3.
Variant type: Deletion.
Coding change: c.7268del on transcript NM_013275.6 (MANE Select); coding-DNA position 7268, one base deleted (A; older notation c.7268delA).
Protein change: p.Lys2423fs; shifts the reading frame from lysine 2423.
Molecular consequence: frameshift variant.
Genome position (GRCh38, 1-based): chr16:89,279,274, T deleted on the plus strand (A on the coding strand, the reverse complement: ANKRD11 is on the minus strand); the first of 2 consecutive T bases (chr16:89,279,274-89,279,275); deleting either gives the same sequence. VCF-style (leftmost placement, unchanged base first): chr16-89279273-CT-C. GRCh37 (hg19) VCF-style: chr16-89345681-CT-C.
Other names: c.7268del, p.Lys2423fs (NM_001256182.2, NM_001256183.2); short protein forms K2423fs.
Identifiers: ClinVar variation 3866353 (VCV003866353.1).

ClinVar aggregate classification (germline): Pathogenic (1 of 4 stars; one submission).

Conditions:
Inborn genetic diseases. Identifiers: MedGen C0950123, MeSH D030342.

Submission:

Ambry Genetics
Classification: Pathogenic for Inborn genetic diseases. Last evaluated: 2025-02-10. Review status: criteria provided, single submitter. Criteria: Ambry Variant Classification Scheme 2023. Collection method: clinical testing. Allele origin: germline.
Comment: The c.7268delA (p.K2423Sfs*68) alteration, located in exon 9 (coding exon 7) of the ANKRD11 gene, consists of a deletion of one nucleotide at position 7268, causing a translational frameshift with a predicted alternate stop codon after 68 amino acids. This alteration is expected to result in loss of function by premature protein truncation or nonsense-mediated mRNA decay. This variant was not reported in population-based cohorts in the Genome Aggregation Database (gnomAD). Based on the available evidence, this alteration is classified as pathogenic.